The following is an entry in ClinVar:

ClinVar aggregate classification (germline): Uncertain significance. Review status: criteria provided, multiple submitters, no conflicts (2 of 4 stars). 2 submissions from 2 submitters: Uncertain significance (2). Last evaluated 2022-03-12.

Conditions:
X-linked myopathy with excessive autophagy (AVM). Also called: Vacuolar myopathy; Autophagic vacuolar myopathy. Identifiers: Orphanet 25980, MedGen C1839615, MONDO:0010684, OMIM 310440.

Allele frequency attached by ClinVar (database versions not stated): gnomAD exomes below 0.00001.

Submissions (2):

Labcorp Genetics (formerly Invitae), Labcorp
Classification: Uncertain significance for X-linked myopathy with excessive autophagy. Last evaluated: 2022-03-12. Review status: criteria provided, single submitter. Criteria: Invitae Variant Classification Sherloc (09022015). Collection method: clinical testing. Allele origin: germline.
Comment: In summary, the available evidence is currently insufficient to determine the role of this variant in disease. Therefore, it has been classified as a Variant of Uncertain Significance. Algorithms developed to predict the effect of missense changes on protein structure and function are either unavailable or do not agree on the potential impact of this missense change (SIFT: "Not Available"; PolyPhen-2: "Possibly Damaging"; Align-GVGD: "Not Available"). This variant has not been reported in the literature in individuals affected with VMA21-related conditions. This variant is not present in population databases (gnomAD no frequency). This sequence change replaces valine, which is neutral and non-polar, with phenylalanine, which is neutral and non-polar, at codon 74 of the VMA21 protein (p.Val74Phe).

Department of Pathology and Laboratory Medicine, Sinai Health System
Classification: Uncertain significance for X-linked myopathy with excessive autophagy. Last evaluated: 2021-11-02. Review status: criteria provided, single submitter. Criteria: ACMG Guidelines, 2015. Collection method: research. Allele origin: germline.

NM_001017980.4(VMA21):c.220G>T (p.Val74Phe)

Gene: VMA21 (vacuolar ATPase assembly factor VMA21; plus strand). Cytogenetic location: Xq28.
Variant type: single nucleotide variant.
Coding change: c.220G>T on transcript NM_001017980.4 (MANE Select); coding-DNA position 220, G replaced by T.
Protein change: p.Val74Phe; replaces valine 74 with phenylalanine.
Molecular consequence: missense variant.
Genome position (GRCh38, 1-based): chrX:151,404,972, G>T. VCF-style: chrX-151404972-G-T. GRCh37 (hg19) VCF-style: chrX-150573444-G-T.
Other names: c.385G>T, p.Val129Phe (NM_001363810.1); short protein forms V129F, V74F.
Identifiers: ClinVar variation 2061178 (VCV002061178.5), dbSNP rs2520632656, ClinGen allele CA415271249.
Genomic context (GRCh38, chrX:151,404,972, plus strand): 5'-ATAGGCGCCCTTGGGATGTCCAATAGGGACAGCTATTTTTACGCTGCTATTGTTGCAGTG[G>T]TCGCCGTCCATGTGGTGCTGGCCCTCTTTGTGTATGTGGCCTGGAATGAAGGCTCACGAC-3'
Protein context (NP_001017980.1, residues 64-84): SYFYAAIVAV[Val74Phe]AVHVVLALFV